The following is an entry in ClinVar:

ClinVar aggregate classification (germline): Likely pathogenic (1 of 4 stars; one submission).

Conditions:
Polydactyly, postaxial, type a7. Identifiers: MedGen C4539976, MONDO:0060550, OMIM 617642.

Submission:

3billion
Classification: Likely pathogenic for Polydactyly, postaxial, type a7. Last evaluated: 2023-11-27. Review status: criteria provided, single submitter. Criteria: ACMG Guidelines, 2015. Collection method: clinical testing. Allele origin: germline. Affected: yes.
Comment: The variant is observed at an extremely low frequency in the gnomAD v2.1.1 dataset (total allele frequency: 0.003%). Predicted Consequence/Location: Frameshift: predicted to result in a loss or disruption of normal protein function through nonsense-mediated decay (NMD) or protein truncation. Multiple pathogenic variants are reported downstream of the variant. Therefore, this variant is classified as Likely pathogenic according to the recommendation of ACMG/AMP guideline.

NM_152558.5(IQCE):c.323del (p.Gly108fs)

Genes: IQCE (IQ motif containing E; plus strand), LOC126859928 (CDK7 strongly-dependent group 2 enhancer GRCh37_chr7:2611286-2612485; plus strand). Cytogenetic location: 7p22.3.
Variant type: Deletion.
Coding change: c.323del on transcript NM_152558.5 (MANE Select); coding-DNA position 323, one base deleted (G; older notation c.323delG).
Protein change: p.Gly108fs; shifts the reading frame from glycine 108.
Molecular consequence: frameshift variant.
Genome position (GRCh38, 1-based): chr7:2,572,255, G deleted; the last of 2 consecutive G bases (chr7:2,572,254-2,572,255); deleting either gives the same sequence. VCF-style (leftmost placement, unchanged base first): chr7-2572253-CG-C. GRCh37 (hg19) VCF-style: chr7-2611887-CG-C.
Other names: c.323del, p.Gly108fs (NM_001287499.2); c.275del, p.Gly92fs (NM_001287500.2, NM_001410865.1); c.128del, p.Gly43fs (NM_001287501.2, NM_001287502.2); short protein forms G108fs, G43fs, G92fs.
Identifiers: ClinVar variation 3776155 (VCV003776155.1).